The following is an entry in ClinVar:

ClinVar aggregate classification (germline): Pathogenic. Review status: criteria provided, multiple submitters, no conflicts (2 of 4 stars). 2 submissions from 2 submitters: Pathogenic (2). Last evaluated 2024-08-19.

Conditions:
Neurofibromatosis, type 1 (NF1). Also called: VON RECKLINGHAUSEN DISEASE; Peripheral type neurofibromatosis; NEUROFIBROMATOSIS, TYPE I, SOMATIC; Neurofibromatosis, type I. Identifiers: Orphanet 636, MedGen C0027831, MONDO:0018975, OMIM 162200. Disease mechanism: loss of function.
Neurofibromatosis-Noonan syndrome (NFNS). Also called: NEUROFIBROMATOSIS WITH NOONAN PHENOTYPE. Identifiers: Orphanet 638, MedGen C2931482, MONDO:0011035, OMIM 601321. Disease mechanism: loss of function.
Café-au-lait macules with pulmonary stenosis (WTSN). Also called: PULMONIC STENOSIS WITH CAFE-AU-LAIT SPOTS. Identifiers: MedGen C0553586, MONDO:0008672, OMIM 193520.
Juvenile myelomonocytic leukemia (JMML). Also called: LEUKEMIA, JUVENILE MYELOMONOCYTIC, SOMATIC. Identifiers: Orphanet 86834, MedGen C0349639, MONDO:0011908, OMIM 607785, HP:0012209.
Neurofibromatosis, familial spinal (FSNF). Identifiers: Orphanet 636, MedGen C1834235, MONDO:0008078, OMIM 162210. Disease mechanism: loss of function.

Submissions (2):

Labcorp Genetics (formerly Invitae), Labcorp
Classification: Pathogenic for Neurofibromatosis, type 1. Last evaluated: 2024-08-19. Review status: criteria provided, single submitter. Criteria: Invitae Variant Classification Sherloc (09022015). Collection method: clinical testing. Allele origin: germline.
Comment: This sequence change creates a premature translational stop signal (p.Glu1699Serfs*14) in the NF1 gene. It is expected to result in an absent or disrupted protein product. Loss-of-function variants in NF1 are known to be pathogenic (PMID: 10712197, 23913538). This variant is not present in population databases (gnomAD no frequency). This variant has not been reported in the literature in individuals affected with NF1-related conditions. ClinVar contains an entry for this variant (Variation ID: 1072070). Algorithms developed to predict the effect of sequence changes on RNA splicing suggest that this variant may disrupt the consensus splice site. For these reasons, this variant has been classified as Pathogenic.

Juno Genomics, Hangzhou Juno Genomics, Inc
Classification: Pathogenic for Neurofibromatosis, type 1; Neurofibromatosis, familial spinal; Café-au-lait macules with pulmonary stenosis; Neurofibromatosis-Noonan syndrome; Juvenile myelomonocytic leukemia. Review status: criteria provided, single submitter. Criteria: ACMG Guidelines, 2015. Collection method: clinical testing. Allele origin: germline. Affected: yes.
Comment: Absent from controls (or at extremely low frequency if recessive) in Genome Aggregation Database, Exome Sequencing Project, 1000 Genomes Project, or Exome Aggregation Consortium.;Null variant in a gene where loss of function (LOF) is a known mechanism of disease.

Literature cited by the submitters: PubMed 10712197 (cited by Labcorp Genetics (formerly Invitae), Labcorp); PubMed 23913538 (cited by Labcorp Genetics (formerly Invitae), Labcorp).

NM_001042492.3(NF1):c.5158del (p.Glu1720fs)

Gene: NF1 (neurofibromin 1; plus strand). Cytogenetic location: 17q11.2.
Variant type: Deletion.
Coding change: c.5158del on transcript NM_001042492.3 (MANE Select); coding-DNA position 5158, one base deleted (G; older notation c.5158delG).
Protein change: p.Glu1720fs; shifts the reading frame from glutamic acid 1720.
Molecular consequence: frameshift variant.
Genome position (GRCh38, 1-based): chr17:31,326,142, G deleted. VCF-style (leftmost placement, unchanged base first): chr17-31326141-AG-A. GRCh37 (hg19) VCF-style: chr17-29653159-AG-A.
Other names: c.5095delG, p.Glu1699Serfs (NM_000267.4); short protein forms E1699fs, E1720fs.
Identifiers: ClinVar variation 1072070 (VCV001072070.7), dbSNP rs2151538733, ClinGen allele CA2499224162.